The following is an entry in ClinVar:

ClinVar aggregate classification (germline): Uncertain significance (1 of 4 stars; one submission).

Conditions:
Autosomal recessive limb-girdle muscular dystrophy type 2A (LGMDR1). Also called: LEYDEN-MOEBIUS MUSCULAR DYSTROPHY; MUSCULAR DYSTROPHY, PELVOFEMORAL; Limb-girdle muscular dystrophy, type 2A; Muscular dystrophy, limb-girdle, type 2A, Amish; Calpainopathy. Identifiers: Orphanet 267, MedGen C1869123, MONDO:0009675, OMIM 253600. Disease mechanism: loss of function.

Allele frequency attached by ClinVar (database versions not stated): gnomAD exomes below 0.00001.
gnomAD v4.1: 4 of 1,614,120 alleles (0.00025%); highest among the groups gnomAD compares: Non-Finnish European, 0.00034%; no homozygotes.

Submission:

Labcorp Genetics (formerly Invitae), Labcorp
Classification: Uncertain significance for Autosomal recessive limb-girdle muscular dystrophy type 2A. Last evaluated: 2021-08-13. Review status: criteria provided, single submitter. Criteria: Invitae Variant Classification Sherloc (09022015). Collection method: clinical testing. Allele origin: germline.
Comment: This sequence change replaces histidine with aspartic acid at codon 151 of the CAPN3 protein (p.His151Asp). The histidine residue is moderately conserved and there is a moderate physicochemical difference between histidine and aspartic acid. This variant is not present in population databases (ExAC no frequency). This variant has not been reported in the literature in individuals affected with CAPN3-related conditions. ClinVar contains an entry for this variant (Variation ID: 315891). Algorithms developed to predict the effect of missense changes on protein structure and function are either unavailable or do not agree on the potential impact of this missense change (SIFT: "Tolerated"; PolyPhen-2: "Possibly Damaging"; Align-GVGD: "Class C0"). In summary, the available evidence is currently insufficient to determine the role of this variant in disease. Therefore, it has been classified as a Variant of Uncertain Significance.

NM_000070.3(CAPN3):c.451C>G (p.His151Asp)

Genes: CAPN3 (calpain 3; plus strand), LOC126862115 (BRD4-independent group 4 enhancer GRCh37_chr15:42677734-42678933; plus strand). Cytogenetic location: 15q15.1.
Variant type: single nucleotide variant.
Coding change: c.451C>G on transcript NM_000070.3 (MANE Select); coding-DNA position 451, C replaced by G.
Protein change: p.His151Asp; replaces histidine 151 with aspartic acid.
Molecular consequence: missense variant.
Genome position (GRCh38, 1-based): chr15:42,386,238, C>G. VCF-style: chr15-42386238-C-G. GRCh37 (hg19) VCF-style: chr15-42678436-C-G.
Other names: c.451C>G, p.His151Asp (NM_024344.2, NM_173087.2); short protein forms H151D.
Identifiers: ClinVar variation 315891 (VCV000315891.9), dbSNP rs886051148, ClinGen allele CA10646929.